The following is an entry in ClinVar:

NM_001113378.2(FANCI):c.1240C>T (p.Pro414Ser)

Gene: FANCI (FA complementation group I; plus strand). Cytogenetic location: 15q26.1.
Variant type: single nucleotide variant.
Coding change: c.1240C>T on transcript NM_001113378.2 (MANE Select); coding-DNA position 1240, C replaced by T.
Protein change: p.Pro414Ser; replaces proline 414 with serine.
Molecular consequence: missense variant.
Genome position (GRCh38, 1-based): chr15:89,276,838, C>T. VCF-style: chr15-89276838-C-T. GRCh37 (hg19) VCF-style: chr15-89820069-C-T.
Other names: c.961C>T, p.Pro321Ser (NM_001376910.1); c.1240C>T, p.Pro414Ser (NM_001376911.1, NM_018193.3); short protein forms P414S, P321S.
Identifiers: ClinVar variation 2271036 (VCV002271036.3), dbSNP rs754374388, ClinGen allele CA7722950.

ClinVar aggregate classification (germline): Uncertain significance. Review status: criteria provided, multiple submitters, no conflicts (2 of 4 stars). 2 submissions from 2 submitters: Uncertain significance (2). Last evaluated 2023-02-14.

Conditions:
Inborn genetic diseases. Identifiers: MedGen C0950123, MeSH D030342.
Fanconi anemia complementation group I (FANCI). Also called: FANCI-Related Fanconi Anemia. Identifiers: Orphanet 84, MedGen C1836861, MONDO:0012186, OMIM 609053.

Allele frequency attached by ClinVar (database versions not stated): gnomAD 0.00001; gnomAD exomes 0.00001; ExAC 0.00002.
gnomAD v4.1: 22 of 1,614,028 alleles (0.0014%); highest among the groups gnomAD compares: South Asian, 0.024%; 2 homozygotes.

Submissions (2):

Neuberg Centre For Genomic Medicine, NCGM
Classification: Uncertain significance for Fanconi anemia complementation group I. Last evaluated: 2023-02-14. Review status: criteria provided, single submitter. Criteria: ACMG Guidelines, 2015. Collection method: clinical testing. Allele origin: germline. Inheritance: Autosomal recessive inheritance. Affected: yes.
Comment: The missense c.1240C>T (p.Pro414Ser) variant in FANCI gene has not been reported previously as a pathogenic variant nor as a benign variant, to our knowledge. The p.Pro414Ser variant has allele frequency 0.001% in gnomAD Exomes and is novel (not in any individuals) in 1000 Genomes. This variant has not been reported to the ClinVar database. The amino acid change p.Pro414Ser in FANCI is predicted as conserved by GERP++ and PhyloP across 100 vertebrates. The amino acid Pro at position 414 is changed to a Ser changing protein sequence and it might alter its composition and physico-chemical properties. For these reasons, this variant has been classified as Variant of Uncertain Significance (VUS).

Ambry Genetics
Classification: Uncertain significance for Inborn genetic diseases. Last evaluated: 2022-01-07. Review status: criteria provided, single submitter. Criteria: Ambry Variant Classification Scheme 2023. Collection method: clinical testing. Allele origin: germline.